The following is an entry in ClinVar:

ClinVar aggregate classification (germline): Uncertain significance (1 of 4 stars; one submission).

Conditions:
Dilated cardiomyopathy 1O (CMD1O). Also called: CARDIOMYOPATHY, DILATED, WITH VENTRICULAR TACHYCARDIA. Identifiers: Orphanet 154, MedGen C1837839, MONDO:0012062, OMIM 608569.

Submission:

Labcorp Genetics (formerly Invitae), Labcorp
Classification: Uncertain significance for Dilated cardiomyopathy 1O. Last evaluated: 2024-11-25. Review status: criteria provided, single submitter. Criteria: Invitae Variant Classification Sherloc (09022015). Collection method: clinical testing. Allele origin: germline.
Comment: This sequence change replaces threonine, which is neutral and polar, with serine, which is neutral and polar, at codon 621 of the ABCC9 protein (p.Thr621Ser). This variant is not present in population databases (gnomAD no frequency). This variant has not been reported in the literature in individuals affected with ABCC9-related conditions. Invitae Evidence Modeling of protein sequence and biophysical properties (such as structural, functional, and spatial information, amino acid conservation, physicochemical variation, residue mobility, and thermodynamic stability) indicates that this missense variant is not expected to disrupt ABCC9 protein function with a negative predictive value of 95%. In summary, the available evidence is currently insufficient to determine the role of this variant in disease. Therefore, it has been classified as a Variant of Uncertain Significance.

NM_020297.4(ABCC9):c.1862C>G (p.Thr621Ser)

Gene: ABCC9 (ATP binding cassette subfamily C member 9; minus strand). Cytogenetic location: 12p12.1.
Variant type: single nucleotide variant.
Coding change: c.1862C>G on transcript NM_020297.4 (MANE Select); coding-DNA position 1862, C replaced by G.
Protein change: p.Thr621Ser; replaces threonine 621 with serine.
Molecular consequence: missense variant.
Genome position (GRCh38, 1-based): chr12:21,887,875, G>C on the plus strand (C>G on the coding strand, the complement: ABCC9 is on the minus strand). VCF-style: chr12-21887875-G-C. GRCh37 (hg19) VCF-style: chr12-22040809-G-C.
Other names: c.1862C>G, p.Thr621Ser (NM_001377273.1, NM_005691.4); c.998C>G, p.Thr333Ser (NM_001377274.1); short protein forms T621S, T333S.
Identifiers: ClinVar variation 3672073 (VCV003672073.2).
Genomic context (GRCh38, chr12:21,887,875, plus strand): 5'-AAAGCACTTACAACTCCAGTGTGCTTCTTACAGGACTCAAAAGGAAGCGAACTTTCACCA[G>C]TTCGCCAACTGTCGTCACCAATCTCATCACTCAAGAGAAACTCATTCAGCTTTTGAACAC-3'
Protein context (NP_064693.2, residues 611-631): SDEIGDDSWR[Thr621Ser]GESSLPFESC